The following is an entry in ClinVar:

NM_212482.4(FN1):c.5344G>T (p.Gly1782Cys)

Gene: FN1 (fibronectin 1; minus strand). Cytogenetic location: 2q35.
Variant type: single nucleotide variant.
Coding change: c.5344G>T on transcript NM_212482.4 (MANE Select); coding-DNA position 5344, G replaced by T.
Protein change: p.Gly1782Cys; replaces glycine 1782 with cysteine.
Molecular consequence: missense variant. On other transcripts: intron variant (10).
Genome position (GRCh38, 1-based): chr2:215,380,901, C>A on the plus strand (G>T on the coding strand, the complement: FN1 is on the minus strand). VCF-style: chr2-215380901-C-A. GRCh37 (hg19) VCF-style: chr2-216245624-C-A.
Other names: c.5344G>T, p.Gly1782Cys (NM_001306129.2); c.5071G>T, p.Gly1691Cys (NM_001365518.2, NM_001365520.2, NM_001365524.2 and 2 more transcripts); c.4891+1311G>T (NM_212474.3, NM_001306132.2, NM_001365523.2 and 2 more transcripts); c.5164+1311G>T (NM_001306130.2, NM_001365522.2, NM_001365519.2 and 2 more transcripts); short protein forms G1691C, G1782C.
Identifiers: ClinVar variation 2800802 (VCV002800802.3), dbSNP rs1262760597, ClinGen allele CA350474292.

ClinVar aggregate classification (germline): Uncertain significance (1 of 4 stars; one submission).

Submission:

Labcorp Genetics (formerly Invitae), Labcorp
Classification: Uncertain significance. Last evaluated: 2023-06-28. Review status: criteria provided, single submitter. Criteria: Invitae Variant Classification Sherloc (09022015). Collection method: clinical testing. Allele origin: germline.
Comment: This variant is not present in population databases (gnomAD no frequency). This sequence change replaces glycine, which is neutral and non-polar, with cysteine, which is neutral and slightly polar, at codon 1782 of the FN1 protein (p.Gly1782Cys). This variant has not been reported in the literature in individuals affected with FN1-related conditions. An algorithm developed to predict the effect of missense changes on protein structure and function (PolyPhen-2) suggests that this variant is likely to be disruptive. In summary, the available evidence is currently insufficient to determine the role of this variant in disease. Therefore, it has been classified as a Variant of Uncertain Significance.